The following is an entry in ClinVar:

NM_001482.3(GATM):c.70-217A>C

Gene: GATM (glycine amidinotransferase; minus strand). Cytogenetic location: 15q21.1.
Variant type: single nucleotide variant.
Coding change: c.70-217A>C on transcript NM_001482.3 (MANE Select); 217 bases into the intron before coding-DNA position 70, A replaced by C.
Molecular consequence: intron variant.
Genome position (GRCh38, 1-based): chr15:45,377,036, T>G on the plus strand (A>C on the coding strand, the complement: GATM is on the minus strand). VCF-style: chr15-45377036-T-G. GRCh37 (hg19) VCF-style: chr15-45669234-T-G.
Other names: c.-318-217A>C (NM_001321015.2).
Identifiers: ClinVar variation 677342 (VCV000677342.2), dbSNP rs76501954, ClinGen allele CA270173424.
Genomic context (GRCh38, chr15:45,377,036, plus strand): 5'-GTGGGATTACAGATAATTTTTTTAACCCTCTTGTTTATCTACAAATTGTCTTCTTATCTA[T>G]TAATTGCTGTAACTCTTTAAAACTCCTCAGAAGACCGTGTCCCCAGCTACCATACACCCC-3'

ClinVar aggregate classification (germline): Benign. Review status: criteria provided, multiple submitters, no conflicts (2 of 4 stars). 2 submissions from 2 submitters: Benign (2). Last evaluated 2018-06-19.

Allele frequency attached by ClinVar (database versions not stated): gnomAD exomes 0.00276; gnomAD 0.02320 and 0.02497; 1000 Genomes Project 0.02456; TOPMed 0.02636; 1000 Genomes Project 30x 0.02670.
gnomAD v4.1: 4,805 of 590,490 alleles (0.81%); highest among the groups gnomAD compares: African/African-American, 8.1%; 208 homozygotes.

Submissions (2):

GeneDx
Classification: Benign. Last evaluated: 2018-06-19. Review status: criteria provided, single submitter. Criteria: GeneDx Variant Classification (06012015). Collection method: clinical testing. Allele origin: germline. Affected: yes.
Comment: This variant is considered likely benign or benign based on one or more of the following criteria: it is a conservative change, it occurs at a poorly conserved position in the protein, it is predicted to be benign by multiple in silico algorithms, and/or has population frequency not consistent with disease.

Breakthrough Genomics
Classification: Benign. Review status: criteria provided, single submitter. Criteria: ACMG Guidelines, 2015. Collection method: not provided. Allele origin: germline. Inheritance: Autosomal recessive inheritance. Affected: yes.